The following is an entry in ClinVar:

NM_001282116.2(RFX3):c.118-12C>G

Gene: RFX3 (regulatory factor X3; minus strand). Cytogenetic location: 9p24.2.
Variant type: single nucleotide variant.
Coding change: c.118-12C>G on transcript NM_001282116.2 (MANE Select); 12 bases into the intron before coding-DNA position 118, C replaced by G.
Molecular consequence: intron variant.
Genome position (GRCh38, 1-based): chr9:3,346,776, G>C on the plus strand (C>G on the coding strand, the complement: RFX3 is on the minus strand). VCF-style: chr9-3346776-G-C. GRCh37 (hg19) VCF-style: chr9-3346776-G-C.
Other names: c.118-12C>G (NM_001377999.1, NM_134428.3, NM_002919.4 and 1 more transcripts).
Identifiers: ClinVar variation 5018004 (VCV005018004.1).

ClinVar aggregate classification (germline): Uncertain significance (1 of 4 stars; one submission).

Submission:

GeneDx
Classification: Uncertain significance. Last evaluated: 2026-03-31. Review status: criteria provided, single submitter. Criteria: GeneDx Variant Classification Process June 2021. Collection method: clinical testing. Allele origin: germline.
Comment: Not observed at significant frequency in large population cohorts (gnomAD); In silico analysis supports a deleterious effect on splicing; Has not been previously published as pathogenic or benign to our knowledge